The following is an entry in ClinVar:

ClinVar aggregate classification (germline): Uncertain significance (1 of 4 stars; one submission).

Allele frequency attached by ClinVar (database versions not stated): gnomAD 0.00001; TOPMed 0.00002; gnomAD exomes 0.00003; ExAC 0.00004.
gnomAD v4.1: 61 of 1,613,466 alleles (0.0038%); highest among the groups gnomAD compares: Non-Finnish European, 0.0047%; no homozygotes.

Submission:

Labcorp Genetics (formerly Invitae), Labcorp
Classification: Uncertain significance. Last evaluated: 2023-07-12. Review status: criteria provided, single submitter. Criteria: Invitae Variant Classification Sherloc (09022015). Collection method: clinical testing. Allele origin: germline.
Comment: In summary, the available evidence is currently insufficient to determine the role of this variant in disease. Therefore, it has been classified as a Variant of Uncertain Significance. This sequence change replaces arginine, which is basic and polar, with glutamine, which is neutral and polar, at codon 481 of the COMP protein (p.Arg481Gln). This variant is present in population databases (rs775306610, gnomAD 0.007%). This variant has not been reported in the literature in individuals affected with COMP-related conditions. ClinVar contains an entry for this variant (Variation ID: 1505473). Advanced modeling of protein sequence and biophysical properties (such as structural, functional, and spatial information, amino acid conservation, physicochemical variation, residue mobility, and thermodynamic stability) performed at Invitae indicates that this missense variant is not expected to disrupt COMP protein function.

NM_000095.3(COMP):c.1442G>A (p.Arg481Gln)

Gene: COMP (cartilage oligomeric matrix protein; minus strand). Cytogenetic location: 19p13.11.
Variant type: single nucleotide variant.
Coding change: c.1442G>A on transcript NM_000095.3 (MANE Select); coding-DNA position 1442, G replaced by A.
Protein change: p.Arg481Gln; replaces arginine 481 with glutamine.
Molecular consequence: missense variant.
Genome position (GRCh38, 1-based): chr19:18,786,012, C>T on the plus strand (G>A on the coding strand, the complement: COMP is on the minus strand). VCF-style: chr19-18786012-C-T. GRCh37 (hg19) VCF-style: chr19-18896822-C-T.
Other names: short protein forms R481Q.
Identifiers: ClinVar variation 1505473 (VCV001505473.8), dbSNP rs775306610, ClinGen allele CA9316421.
Genomic context (GRCh38, chr19:18,786,012, plus strand): 5'-GCCCCCGCCGTACTGTCCGCGTCCTCCTGGCCGGGGTTAGGCACCAGGCGGCAGTTGTCC[C>T]GACTGTCAGGGACTCCGTCATTGTCGTCGTCGTCGTCGCAGGCATCACCCTGGCCATCGT-3'
Protein context (NP_000086.2, residues 471-491): DDDNDGVPDS[Arg481Gln]DNCRLVPNPG